The following is an entry in ClinVar:

NM_003482.4(KMT2D):c.5820A>G (p.Pro1940=)

Gene: KMT2D (lysine methyltransferase 2D; minus strand). Cytogenetic location: 12q13.12.
Variant type: single nucleotide variant.
Coding change: c.5820A>G on transcript NM_003482.4 (MANE Select); coding-DNA position 5820, A replaced by G.
Protein change: p.Pro1940=; no amino-acid change (proline 1940 retained).
Molecular consequence: synonymous variant.
Genome position (GRCh38, 1-based): chr12:49,042,608, T>C on the plus strand (A>G on the coding strand, the complement: KMT2D is on the minus strand). VCF-style: chr12-49042608-T-C. GRCh37 (hg19) VCF-style: chr12-49436391-T-C.
Identifiers: ClinVar variation 1217411 (VCV001217411.8), dbSNP rs372910439, ClinGen allele CA6547428.

ClinVar aggregate classification (germline): Benign/Likely benign. Review status: criteria provided, multiple submitters, no conflicts (2 of 4 stars). 3 submissions from 3 submitters: Benign (1); Likely benign (1). 1 of the submissions does not count toward it. Last evaluated 2025-03-05.

Conditions:
Kabuki syndrome. Also called: NIIKAWA-KUROKI SYNDROME; Kabuki make-up syndrome. Identifiers: Orphanet 2322, MedGen C0796004, MONDO:0016512.
KMT2D-related disorder. Also called: KMT2D-Related Disorders.

Allele frequency attached by ClinVar (database versions not stated): gnomAD 0.00001; gnomAD exomes 0.00001; ExAC 0.00001; TOPMed 0.00002.
gnomAD v4.1: 6 of 1,613,632 alleles (0.00037%); highest among the groups gnomAD compares: Admixed American, 0.0083%; no homozygotes.

Submissions (3):

Labcorp Genetics (formerly Invitae), Labcorp
Classification: Benign for Kabuki syndrome. Last evaluated: 2025-03-05. Review status: criteria provided, single submitter. Criteria: Invitae Variant Classification Sherloc (09022015). Collection method: clinical testing. Allele origin: germline.

GeneDx
Classification: Likely benign. Last evaluated: 2020-08-04. Review status: criteria provided, single submitter. Criteria: GeneDx Variant Classification Process June 2021. Collection method: clinical testing. Allele origin: germline. Affected: yes.

PreventionGenetics, part of Exact Sciences
Classification: Likely benign for KMT2D-related condition. Last evaluated: 2019-04-30. Review status: no assertion criteria provided. Collection method: clinical testing. Allele origin: germline. Not counted in ClinVar's aggregate classification.
Comment: This variant is classified as likely benign based on ACMG/AMP sequence variant interpretation guidelines (Richards et al. 2015 PMID: 25741868, with internal and published modifications).